The following is an entry in ClinVar:

ClinVar aggregate classification (germline): Likely benign (1 of 4 stars; one submission).

Submission:

CeGaT Center for Human Genetics Tuebingen
Classification: Likely benign. Last evaluated: 2026-03-01. Review status: criteria provided, single submitter. Criteria: CeGaT Center For Human Genetics Tuebingen Variant Classification Criteria Version 2. Collection method: clinical testing. Allele origin: germline. Affected: yes. Observed: 1 variant allele.
Comment: NIPBL: PM2:Supporting, BP4, BP7

NM_133433.4(NIPBL):c.4752C>G (p.Leu1584=)

Gene: NIPBL (NIPBL cohesin loading factor; plus strand). Cytogenetic location: 5p13.2.
Variant type: single nucleotide variant.
Coding change: c.4752C>G on transcript NM_133433.4 (MANE Select); coding-DNA position 4752, C replaced by G.
Protein change: p.Leu1584=; no amino-acid change (leucine 1584 retained).
Molecular consequence: synonymous variant.
Genome position (GRCh38, 1-based): chr5:37,016,146, C>G. VCF-style: chr5-37016146-C-G. GRCh37 (hg19) VCF-style: chr5-37016248-C-G.
Other names: c.4752C>G, p.Leu1584= (NM_001438586.1, NM_015384.5).
Identifiers: ClinVar variation 4823786 (VCV004823786.4).